The following is an entry in ClinVar:

NM_000512.5(GALNS):c.295A>C (p.Thr99Pro)

Gene: GALNS (galactosamine (N-acetyl)-6-sulfatase; minus strand). Cytogenetic location: 16q24.3.
Variant type: single nucleotide variant.
Coding change: c.295A>C on transcript NM_000512.5 (MANE Select); coding-DNA position 295, A replaced by C.
Protein change: p.Thr99Pro; replaces threonine 99 with proline.
Molecular consequence: missense variant. On other transcripts: 5 prime UTR variant (1).
Genome position (GRCh38, 1-based): chr16:88,841,921, T>G on the plus strand (A>C on the coding strand, the complement: GALNS is on the minus strand). VCF-style: chr16-88841921-T-G. GRCh37 (hg19) VCF-style: chr16-88908329-T-G.
Other names: c.-261A>C (NM_001323543.2); c.313A>C, p.Thr105Pro (NM_001323544.2); short protein forms T105P, T99P.
Identifiers: ClinVar variation 3629239 (VCV003629239.3).

ClinVar aggregate classification (germline): Uncertain significance. Review status: criteria provided, multiple submitters, no conflicts (2 of 4 stars). 2 submissions from 2 submitters: Uncertain significance (2). Last evaluated 2024-04-07.

Conditions:
Mucopolysaccharidosis, MPS-IV-A (MPS4A). Also called: Mucopolysaccharidosis Type IVA; Morquio syndrome A, mild; MORQUIO SYNDROME A; MPS IVA; mucopolysaccharidosis type 4A; GALACTOSAMINE-6-SULFATASE DEFICIENCY. Identifiers: Orphanet 309297, Orphanet 582, MedGen C0086651, MONDO:0009659, OMIM 253000.

gnomAD v4.1: 1 of 1,613,344 alleles (0.000062%); highest among the groups gnomAD compares: Non-Finnish European, 0.000085%; no homozygotes.

Submissions (2):

Labcorp Genetics (formerly Invitae), Labcorp
Classification: Uncertain significance for Mucopolysaccharidosis, MPS-IV-A. Last evaluated: 2024-04-07. Review status: criteria provided, single submitter. Criteria: Invitae Variant Classification Sherloc (09022015). Collection method: clinical testing. Allele origin: germline.
Comment: This sequence change replaces threonine, which is neutral and polar, with proline, which is neutral and non-polar, at codon 99 of the GALNS protein (p.Thr99Pro). This variant is not present in population databases (gnomAD no frequency). This variant has not been reported in the literature in individuals affected with GALNS-related conditions. Advanced modeling of protein sequence and biophysical properties (such as structural, functional, and spatial information, amino acid conservation, physicochemical variation, residue mobility, and thermodynamic stability) performed at Invitae indicates that this missense variant is expected to disrupt GALNS protein function with a positive predictive value of 95%. In summary, the available evidence is currently insufficient to determine the role of this variant in disease. Therefore, it has been classified as a Variant of Uncertain Significance.

Blueprint Genetics
Classification: Uncertain significance. Last evaluated: 2021-08-09. Review status: criteria provided, single submitter. Criteria: ACMG Guidelines, 2015. Collection method: clinical testing. Allele origin: germline.